The following is an entry in ClinVar:

ClinVar aggregate classification (germline): Benign/Likely benign. Review status: criteria provided, multiple submitters, no conflicts (2 of 4 stars). 12 submissions from 8 submitters: Benign (11); Likely benign (1). Last evaluated 2026-02-01.

Conditions:
Hypokalemic periodic paralysis, type 2 (HOKPP2). Identifiers: Orphanet 681, MedGen C2750061, MONDO:0013234, OMIM 613345.
Congenital myasthenic syndrome 16. Identifiers: Orphanet 590, MedGen C3280112, MONDO:0013620, OMIM 614198.
Paramyotonia congenita of Von Eulenburg. Also called: Paramyotonia Congenita; Eulenburg disease; Myotonia congenita intermittens; Von Eulenburg paramyotonia congenita; PARALYSIS PERIODICA PARAMYOTONICA. Identifiers: Orphanet 684, MedGen C0221055, MONDO:0008195, OMIM 168300. Disease mechanism: loss of function.
Potassium-aggravated myotonia. Also called: SODIUM CHANNEL MUSCLE DISEASE; MYOTONIA CONGENITA, ACETAZOLAMIDE-RESPONSIVE; MYOTONIA CONGENITA, ATYPICAL; Myotonia congenita, atypical, acetazolamide-responsive. Identifiers: Orphanet 612, Orphanet 99734, Orphanet 99735, Orphanet 99736, MedGen C2931826, MONDO:0018959, OMIM 608390.
Hyperkalemic periodic paralysis. Also called: Familial hyperkalemic periodic paralysis; Gamstorp disease. Identifiers: Orphanet 682, MedGen C0238357, MONDO:0008224, OMIM 170500, HP:0007215.

Allele frequency attached by ClinVar (database versions not stated): ExAC 0.00179; gnomAD 0.00509 and 0.00477; 1000 Genomes Project 30x 0.00640; gnomAD exomes 0.00106 and 0.00048; ESP Exome Variant Server 0.00513; TOPMed 0.00521; 1000 Genomes Project 0.00559.

Submissions (12):

Labcorp Genetics (formerly Invitae), Labcorp
Classification: Benign for Hyperkalemic periodic paralysis. Last evaluated: 2026-02-01. Review status: criteria provided, single submitter. Criteria: Invitae Variant Classification Sherloc (09022015). Collection method: clinical testing. Allele origin: germline.

Blueprint Genetics
Classification: Likely benign. Last evaluated: 2024-11-26. Review status: criteria provided, single submitter. Criteria: ACMG Guidelines, 2015. Collection method: clinical testing. Allele origin: germline.

Mayo Clinic Laboratories, Mayo Clinic
Classification: Benign. Last evaluated: 2024-01-29. Review status: criteria provided, single submitter. Criteria: ACMG Guidelines, 2015. Collection method: clinical testing. Allele origin: germline. Observed: 3 variant alleles.
Comment: BS1, BS2

Athena Diagnostics
Classification: Benign. Last evaluated: 2023-11-08. Review status: criteria provided, single submitter. Criteria: Athena Diagnostics Criteria. Collection method: clinical testing. Allele origin: unknown.

Illumina Laboratory Services, Illumina
Classification: Benign for Hyperkalemic periodic paralysis. Last evaluated: 2018-01-13. Review status: criteria provided, single submitter. Criteria: ICSL Variant Classification Criteria 13 December 2019. Collection method: clinical testing. Allele origin: germline.
Comment: This variant was observed in the ICSL laboratory as part of a predisposition screen in an ostensibly healthy population. It had not been previously curated by ICSL or reported in the Human Gene Mutation Database (HGMD: prior to June 1st, 2018), and was therefore a candidate for classification through an automated scoring system. Utilizing variant allele frequency, disease prevalence and penetrance estimates, and inheritance mode, an automated score was calculated to assess if this variant is too frequent to cause the disease. Based on the score and internal cut-off values, a variant classified as benign is not then subjected to further curation. The score for this variant resulted in a classification of benign for this disease.

Illumina Laboratory Services, Illumina
Classification: Benign for Potassium-aggravated myotonia. Last evaluated: 2018-01-13. Review status: criteria provided, single submitter. Criteria: ICSL Variant Classification Criteria 13 December 2019. Collection method: clinical testing. Allele origin: germline.
Comment: the same text as in the submission from Illumina Laboratory Services, Illumina above.

Illumina Laboratory Services, Illumina
Classification: Benign for Paramyotonia congenita of Von Eulenburg. Last evaluated: 2018-01-13. Review status: criteria provided, single submitter. Criteria: ICSL Variant Classification Criteria 13 December 2019. Collection method: clinical testing. Allele origin: germline.
Comment: the same text as in the submission from Illumina Laboratory Services, Illumina above.

Illumina Laboratory Services, Illumina
Classification: Benign for Hypokalemic periodic paralysis, type 2. Last evaluated: 2018-01-13. Review status: criteria provided, single submitter. Criteria: ICSL Variant Classification Criteria 13 December 2019. Collection method: clinical testing. Allele origin: germline.
Comment: the same text as in the submission from Illumina Laboratory Services, Illumina above.

Illumina Laboratory Services, Illumina
Classification: Benign for Congenital myasthenic syndrome 16. Last evaluated: 2018-01-13. Review status: criteria provided, single submitter. Criteria: ICSL Variant Classification Criteria 13 December 2019. Collection method: clinical testing. Allele origin: germline.
Comment: the same text as in the submission from Illumina Laboratory Services, Illumina above.

GeneDx
Classification: Benign. Last evaluated: 2016-12-07. Review status: criteria provided, single submitter. Criteria: GeneDx Variant Classification (06012015). Collection method: clinical testing. Allele origin: germline. Affected: yes.
Comment: This variant is considered likely benign or benign based on one or more of the following criteria: it is a conservative change, it occurs at a poorly conserved position in the protein, it is predicted to be benign by multiple in silico algorithms, and/or has population frequency not consistent with disease.

Breakthrough Genomics
Classification: Benign. Review status: criteria provided, single submitter. Criteria: ACMG Guidelines, 2015. Collection method: not provided. Allele origin: germline. Inheritance: Autosomal recessive inheritance. Affected: yes.

PreventionGenetics, part of Exact Sciences
Classification: Benign. Review status: criteria provided, single submitter. Criteria: ACMG Guidelines, 2015. Collection method: clinical testing. Allele origin: germline.

Literature cited by the submitters: PubMed 32019516 (cited by Athena Diagnostics); PubMed 29273096 (cited by Athena Diagnostics); PubMed 23675308 (cited by Athena Diagnostics).

NM_000334.4(SCN4A):c.241G>C (p.Glu81Gln)

Gene: SCN4A (sodium voltage-gated channel alpha subunit 4; minus strand). Cytogenetic location: 17q23.3.
Variant type: single nucleotide variant.
Coding change: c.241G>C on transcript NM_000334.4 (MANE Select); coding-DNA position 241, G replaced by C.
Protein change: p.Glu81Gln; replaces glutamic acid 81 with glutamine.
Molecular consequence: missense variant.
Genome position (GRCh38, 1-based): chr17:63,972,601, C>G on the plus strand (G>C on the coding strand, the complement: SCN4A is on the minus strand). VCF-style: chr17-63972601-C-G. GRCh37 (hg19) VCF-style: chr17-62049961-C-G.
Other names: p.Glu81Gln; short protein forms E81Q.
Identifiers: ClinVar variation 255846 (VCV000255846.23), dbSNP rs111926172, ClinGen allele CA8710244.
Genomic context (GRCh38, chr17:63,972,601, plus strand): 5'-GACAGAGGAAGCCTTCCCAGGCCCAGACCTTCTTATTGCTGTAGTAGGGATCCAGGTCCT[C>G]CAGGGGGATGCCGATGACCTCCGGCGGGGGGTCTCCGTAGATCATGGGTAGGTTCTTGCC-3'
Protein context (NP_000325.4, residues 71-91): PPPEVIGIPL[Glu81Gln]DLDPYYSNKK